The following is an entry in ClinVar:

NM_000465.4(BARD1):c.688G>T (p.Asp230Tyr)

Gene: BARD1 (BRCA1 associated RING domain 1; minus strand). Cytogenetic location: 2q35.
Variant type: single nucleotide variant.
Coding change: c.688G>T on transcript NM_000465.4 (MANE Select); coding-DNA position 688, G replaced by T.
Protein change: p.Asp230Tyr; replaces aspartic acid 230 with tyrosine.
Molecular consequence: missense variant. On other transcripts: intron variant (3), non-coding transcript variant (2).
Genome position (GRCh38, 1-based): chr2:214,781,186, C>A on the plus strand (G>T on the coding strand, the complement: BARD1 is on the minus strand). VCF-style: chr2-214781186-C-A. GRCh37 (hg19) VCF-style: chr2-215645910-C-A.
Other names: c.364+11111G>T (NM_001282549.2); c.631G>T, p.Asp211Tyr (NM_001282543.2); c.158+28226G>T (NM_001282548.2); c.215+15875G>T (NM_001282545.2); short protein forms D211Y, D230Y.
Identifiers: ClinVar variation 826683 (VCV000826683.10), dbSNP rs1574819948, ClinGen allele CA350456401.

ClinVar aggregate classification (germline): Uncertain significance. Review status: criteria provided, multiple submitters, no conflicts (2 of 4 stars). 2 submissions from 2 submitters: Uncertain significance (2). Last evaluated 2024-06-18.

Conditions:
Hereditary cancer-predisposing syndrome. Also called: Neoplastic Syndromes, Hereditary; Tumor predisposition; Hereditary neoplastic syndrome; Hereditary Cancer Syndrome. Identifiers: Orphanet 140162, MedGen C0027672, MeSH D009386, MONDO:0015356.
Familial cancer of breast. Also called: BREAST CANCER, FAMILIAL; Hereditary breast cancer; hereditary breast carcinoma. Identifiers: Orphanet 227535, MedGen C0346153, MONDO:0016419, OMIM 114480. Disease mechanism: loss of function.

Allele frequency attached by ClinVar (database versions not stated): gnomAD exomes below 0.00001.
gnomAD v4.1: 1 of 1,587,286 alleles (0.000063%); highest among the groups gnomAD compares: Non-Finnish European, 0.000085%; no homozygotes.

Submissions (2):

Ambry Genetics
Classification: Uncertain significance for Hereditary cancer-predisposing syndrome. Last evaluated: 2024-06-18. Review status: criteria provided, single submitter. Criteria: Ambry Variant Classification Scheme 2023. Collection method: clinical testing. Allele origin: germline.
Comment: The p.D230Y variant (also known as c.688G>T), located in coding exon 4 of the BARD1 gene, results from a G to T substitution at nucleotide position 688. The aspartic acid at codon 230 is replaced by tyrosine, an amino acid with highly dissimilar properties. This amino acid position is not well conserved in available vertebrate species. In addition, this alteration is predicted to be tolerated by in silico analysis. Since supporting evidence is limited at this time, the clinical significance of this alteration remains unclear.

Labcorp Genetics (formerly Invitae), Labcorp
Classification: Uncertain significance for Familial cancer of breast. Last evaluated: 2024-04-10. Review status: criteria provided, single submitter. Criteria: Invitae Variant Classification Sherloc (09022015). Collection method: clinical testing. Allele origin: germline.
Comment: This sequence change replaces aspartic acid, which is acidic and polar, with tyrosine, which is neutral and polar, at codon 230 of the BARD1 protein (p.Asp230Tyr). This variant is not present in population databases (gnomAD no frequency). This variant has not been reported in the literature in individuals affected with BARD1-related conditions. ClinVar contains an entry for this variant (Variation ID: 826683). An algorithm developed to predict the effect of missense changes on protein structure and function (PolyPhen-2) suggests that this variant is likely to be disruptive. In summary, the available evidence is currently insufficient to determine the role of this variant in disease. Therefore, it has been classified as a Variant of Uncertain Significance.